The following is an entry in ClinVar:

ClinVar aggregate classification (germline): Conflicting classifications of pathogenicity. Review status: criteria provided, conflicting classifications (1 of 4 stars). 2 submissions from 2 submitters: Uncertain significance (1); Likely benign (1). Last evaluated 2025-05-25.

Conditions:
Inborn genetic diseases. Identifiers: MedGen C0950123, MeSH D030342.
Spinocerebellar ataxia, autosomal recessive, with axonal neuropathy 2 (SCAN2). Also called: ATAXIA-OCULOMOTOR APRAXIA 2; Ataxia with Oculomotor Apraxia Type 2; Ataxia-ocular apraxia-2; Ataxia with Oculomotor Apraxia. Identifiers: Orphanet 64753, MedGen C1853761, MONDO:0018996, OMIM 606002.
Amyotrophic lateral sclerosis type 4 (ALS4). Also called: NEURONOPATHY, DISTAL HEREDITARY MOTOR, WITH PYRAMIDAL FEATURES; AMYOTROPHIC LATERAL SCLEROSIS 4, JUVENILE. Identifiers: Orphanet 357043, MedGen C1865409, MONDO:0011223, OMIM 602433.

Submissions (2):

Ambry Genetics
Classification: Likely benign for Inborn genetic diseases. Last evaluated: 2025-05-25. Review status: criteria provided, single submitter. Criteria: Ambry Variant Classification Scheme 2023. Collection method: clinical testing. Allele origin: germline.

Labcorp Genetics (formerly Invitae), Labcorp
Classification: Uncertain significance for Amyotrophic lateral sclerosis type 4; Spinocerebellar ataxia, autosomal recessive, with axonal neuropathy 2. Last evaluated: 2025-02-20. Review status: criteria provided, single submitter. Criteria: Invitae Variant Classification Sherloc (09022015). Collection method: clinical testing. Allele origin: germline.
Comment: This sequence change replaces proline, which is neutral and non-polar, with serine, which is neutral and polar, at codon 1356 of the SETX protein (p.Pro1356Ser). This variant is not present in population databases (gnomAD no frequency). This variant has not been reported in the literature in individuals affected with SETX-related conditions. Invitae Evidence Modeling of protein sequence and biophysical properties (such as structural, functional, and spatial information, amino acid conservation, physicochemical variation, residue mobility, and thermodynamic stability) indicates that this missense variant is not expected to disrupt SETX protein function with a negative predictive value of 95%. In summary, the available evidence is currently insufficient to determine the role of this variant in disease. Therefore, it has been classified as a Variant of Uncertain Significance.

NM_015046.7(SETX):c.4066C>T (p.Pro1356Ser)

Gene: SETX (senataxin; minus strand). Cytogenetic location: 9q34.13.
Variant type: single nucleotide variant.
Coding change: c.4066C>T on transcript NM_015046.7 (MANE Select); coding-DNA position 4066, C replaced by T.
Protein change: p.Pro1356Ser; replaces proline 1356 with serine.
Molecular consequence: missense variant.
Genome position (GRCh38, 1-based): chr9:132,327,532, G>A on the plus strand (C>T on the coding strand, the complement: SETX is on the minus strand). VCF-style: chr9-132327532-G-A. GRCh37 (hg19) VCF-style: chr9-135202919-G-A.
Other names: c.4066C>T, p.Pro1356Ser (NM_001351527.2, NM_001351528.2); short protein forms P1356S.
Identifiers: ClinVar variation 3750431 (VCV003750431.3).